The following is an entry in ClinVar:

NM_001008212.2(OPTN):c.219G>A (p.Ser73=)

Genes: OPTN (optineurin; plus strand), LOC108903148 (10p13 OPTN distal Alu-mediated recombination region; plus strand). Cytogenetic location: 10p13.
Variant type: single nucleotide variant.
Coding change: c.219G>A on transcript NM_001008212.2 (MANE Select); coding-DNA position 219, G replaced by A.
Protein change: p.Ser73=; no amino-acid change (serine 73 retained).
Molecular consequence: synonymous variant.
Genome position (GRCh38, 1-based): chr10:13,110,326, G>A. VCF-style: chr10-13110326-G-A. GRCh37 (hg19) VCF-style: chr10-13152326-G-A.
Other names: c.219G>A, p.Ser73= (NM_001008211.1, NM_001008213.1, NM_021980.4).
Identifiers: ClinVar variation 1088779 (VCV001088779.10), dbSNP rs1430621754, ClinGen allele CA468235175.

ClinVar aggregate classification (germline): Likely benign. Review status: criteria provided, multiple submitters, no conflicts (2 of 4 stars). 2 submissions from 2 submitters: Likely benign (2). Last evaluated 2025-01-13.

Conditions:
OPTN-related disorder. Also called: OPTN-related disorders; OPTN-related condition.
Primary open angle glaucoma (POAG). Also called: OPTN-related open angle glaucoma. Identifiers: MedGen C0339573, MONDO:0100553, OMIM 137760.
Glaucoma 1, open angle, E. Identifiers: MedGen C1842026, MONDO:0007665.
Amyotrophic lateral sclerosis type 12 (ALS12). Also called: AMYOTROPHIC LATERAL SCLEROSIS 12 WITH OR WITHOUT FRONTOTEMPORAL DEMENTIA. Identifiers: Orphanet 803, MedGen C3150692, MONDO:0013264, OMIM 613435.

Allele frequency attached by ClinVar (database versions not stated): gnomAD exomes 0.00001; gnomAD 0.00003; TOPMed 0.00003.
gnomAD v4.1: 25 of 1,613,902 alleles (0.0015%); highest among the groups gnomAD compares: African/African-American, 0.008%; no homozygotes.

Submissions (2):

PreventionGenetics, part of Exact Sciences
Classification: Likely benign for OPTN-related condition. Last evaluated: 2025-01-13. Review status: criteria provided, single submitter. Criteria: ACMG Guidelines, 2015. Collection method: clinical testing. Allele origin: germline.
Comment: This variant is classified as likely benign based on ACMG/AMP sequence variant interpretation guidelines (Richards et al. 2015 PMID: 25741868, with internal and published modifications).

Labcorp Genetics (formerly Invitae), Labcorp
Classification: Likely benign for Primary open angle glaucoma; Glaucoma 1, open angle, E; Amyotrophic lateral sclerosis type 12. Last evaluated: 2022-07-06. Review status: criteria provided, single submitter. Criteria: Invitae Variant Classification Sherloc (09022015). Collection method: clinical testing. Allele origin: germline.